The following is an entry in ClinVar:

NM_001377142.1(PLCB4):c.962A>T (p.His321Leu)

Gene: PLCB4 (phospholipase C beta 4; plus strand). Cytogenetic location: 20p12.2.
Variant type: single nucleotide variant.
Coding change: c.962A>T on transcript NM_001377142.1 (MANE Select); coding-DNA position 962, A replaced by T.
Protein change: p.His321Leu; replaces histidine 321 with leucine.
Molecular consequence: missense variant.
Genome position (GRCh38, 1-based): chr20:9,384,309, A>T. VCF-style: chr20-9384309-A-T. GRCh37 (hg19) VCF-style: chr20-9364956-A-T.
Other names: c.962A>T, p.His321Leu (NM_000933.4, NM_001172646.2, NM_001377134.2 and 4 more transcripts); short protein forms H321L.
Identifiers: ClinVar variation 3236137 (VCV003236137.1), dbSNP rs2515490539, ClinGen allele CA408216439.

ClinVar aggregate classification (germline): Uncertain significance (1 of 4 stars; one submission).

Conditions:
Auriculocondylar syndrome 2 (ARCND2A). Also called: AURICULOCONDYLAR SYNDROME 2A. Identifiers: Orphanet 137888, MedGen C3553404, MONDO:0013845, OMIM 614669.

Submission:

MVZ Medizinische Genetik Mainz
Classification: Uncertain significance for Auriculocondylar syndrome 2. Last evaluated: 2021-09-13. Review status: criteria provided, single submitter. Criteria: UK Practice Guidelines For Variant Classification V4 01 2020. Collection method: clinical testing. Allele origin: germline. Inheritance: Autosomal dominant inheritance. Affected: yes. Observed: 1 variant allele.
Comment: ACMG Criteria: PM1, PM2_SUP, PP3 (ACMG Version 3)